The following is an entry in ClinVar:

ClinVar aggregate classification (germline): Uncertain significance (1 of 4 stars; one submission).

Allele frequency attached by ClinVar (database versions not stated): gnomAD exomes below 0.00001.

Submission:

GeneDx
Classification: Uncertain significance. Last evaluated: 2022-05-04. Review status: criteria provided, single submitter. Criteria: GeneDx Variant Classification Process June 2021. Collection method: clinical testing. Allele origin: germline. Affected: yes.
Comment: Not observed at significant frequency in large population cohorts (gnomAD); In silico analysis supports that this missense variant has a deleterious effect on protein structure/function; Has not been previously published as pathogenic or benign to our knowledge

NM_000406.3(GNRHR):c.868T>C (p.Tyr290His)

Gene: GNRHR (gonadotropin releasing hormone receptor; minus strand). Cytogenetic location: 4q13.2.
Variant type: single nucleotide variant.
Coding change: c.868T>C on transcript NM_000406.3 (MANE Select); coding-DNA position 868, T replaced by C.
Protein change: p.Tyr290His; replaces tyrosine 290 with histidine.
Molecular consequence: missense variant.
Genome position (GRCh38, 1-based): chr4:67,740,599, A>G on the plus strand (T>C on the coding strand, the complement: GNRHR is on the minus strand). VCF-style: chr4-67740599-A-G. GRCh37 (hg19) VCF-style: chr4-68606317-A-G.
Other names: c.740T>C, p.Val247Ala (NM_001012763.2); short protein forms V247A, Y290H.
Identifiers: ClinVar variation 1722804 (VCV001722804.2), dbSNP rs1560516385, ClinGen allele CA357047648.